The following is an entry in ClinVar:

ClinVar aggregate classification (germline): Uncertain significance (1 of 4 stars; one submission).

Conditions:
Neurofibromatosis, type 1 (NF1). Also called: NEUROFIBROMATOSIS, TYPE I, SOMATIC; Peripheral type neurofibromatosis; VON RECKLINGHAUSEN DISEASE; Neurofibromatosis, type I. Identifiers: Orphanet 636, MedGen C0027831, MONDO:0018975, OMIM 162200. Disease mechanism: loss of function.

Submission:

Labcorp Genetics (formerly Invitae), Labcorp
Classification: Uncertain significance for Neurofibromatosis, type 1. Last evaluated: 2025-11-06. Review status: criteria provided, single submitter. Criteria: Invitae Variant Classification Sherloc (09022015). Collection method: clinical testing. Allele origin: germline.
Comment: This sequence change replaces serine, which is neutral and polar, with arginine, which is basic and polar, at codon 1978 of the NF1 protein (p.Ser1978Arg). This variant is not present in population databases (gnomAD no frequency). This variant has not been reported in the literature in individuals affected with NF1-related conditions. ClinVar contains an entry for this variant (Variation ID: 1003594). Invitae Evidence Modeling of protein sequence and biophysical properties (such as structural, functional, and spatial information, amino acid conservation, physicochemical variation, residue mobility, and thermodynamic stability) indicates that this missense variant is expected to disrupt NF1 protein function with a positive predictive value of 95%. In summary, the available evidence is currently insufficient to determine the role of this variant in disease. Therefore, it has been classified as a Variant of Uncertain Significance.

NM_001042492.3(NF1):c.5997C>A (p.Ser1999Arg)

Gene: NF1 (neurofibromin 1; plus strand). Cytogenetic location: 17q11.2.
Variant type: single nucleotide variant.
Coding change: c.5997C>A on transcript NM_001042492.3 (MANE Select); coding-DNA position 5997, C replaced by A.
Protein change: p.Ser1999Arg; replaces serine 1999 with arginine.
Molecular consequence: missense variant.
Genome position (GRCh38, 1-based): chr17:31,335,022, C>A. VCF-style: chr17-31335022-C-A. GRCh37 (hg19) VCF-style: chr17-29662040-C-A.
Other names: c.5934C>A, p.Ser1978Arg (NM_000267.4); short protein forms S1978R, S1999R.
Identifiers: ClinVar variation 1003594 (VCV001003594.5), dbSNP rs2069608865, ClinGen allele CA399010963.